The following is an entry in ClinVar:

NM_182931.3(KMT2E):c.4103C>T (p.Ala1368Val)

Gene: KMT2E (lysine methyltransferase 2E (inactive); plus strand). Cytogenetic location: 7q22.3.
Variant type: single nucleotide variant.
Coding change: c.4103C>T on transcript NM_182931.3 (MANE Select); coding-DNA position 4103, C replaced by T.
Protein change: p.Ala1368Val; replaces alanine 1368 with valine.
Molecular consequence: missense variant.
Genome position (GRCh38, 1-based): chr7:105,111,859, C>T. VCF-style: chr7-105111859-C-T. GRCh37 (hg19) VCF-style: chr7-104752306-C-T.
Other names: c.3977C>T, p.Ala1326Val (NM_001410908.1); c.4103C>T, p.Ala1368Val (NM_018682.4); short protein forms A1326V, A1368V.
Identifiers: ClinVar variation 2309724 (VCV002309724.3), dbSNP rs1231362178, ClinGen allele CA368791660.

ClinVar aggregate classification (germline): Uncertain significance (1 of 4 stars; one submission).

Conditions:
Inborn genetic diseases. Identifiers: MedGen C0950123, MeSH D030342.

gnomAD v4.1: 1 of 1,613,682 alleles (0.000062%); highest among the groups gnomAD compares: Non-Finnish European, 0.000085%; no homozygotes.

Submission:

Ambry Genetics
Classification: Uncertain significance for Inborn genetic diseases. Last evaluated: 2025-01-27. Review status: criteria provided, single submitter. Criteria: Ambry Variant Classification Scheme 2023. Collection method: clinical testing. Allele origin: germline.
Comment: The c.4103C>T (p.A1368V) alteration is located in exon 27 (coding exon 25) of the KMT2E gene. This alteration results from a C to T substitution at nucleotide position 4103, causing the alanine (A) at amino acid position 1368 to be replaced by a valine (V). Based on data from gnomAD, the T allele has an overall frequency of <0.001% (1/250796) total alleles studied. The highest observed frequency was 0.003% (1/34472) of Latino alleles. This amino acid position is poorly conserved in available vertebrate species. This alteration is predicted to be tolerated by in silico analysis. Based on insufficient or conflicting evidence, the clinical significance of this alteration remains unclear.

Literature cited by the submitters: PubMed 36413997.